The following is an entry in ClinVar:

ClinVar aggregate classification (germline): Benign/Likely benign. Review status: criteria provided, multiple submitters, no conflicts (2 of 4 stars). 4 submissions from 4 submitters: Benign (2); Likely benign (1). 1 of the submissions does not count toward it. Last evaluated 2026-01-12.

Conditions:
CHD8-related disorder. Also called: CHD8-related condition; CHD8-related disorders.

Allele frequency attached by ClinVar (database versions not stated): gnomAD exomes 0.00004 and 0.00009; ExAC 0.00015; 1000 Genomes Project 30x 0.00016; 1000 Genomes Project 0.00020; ESP Exome Variant Server 0.00023; TOPMed 0.00032; gnomAD 0.00038 and 0.00039.
gnomAD v4.1: 130 of 1,611,346 alleles (0.0081%); highest among the groups gnomAD compares: African/African-American, 0.13%; 3 homozygotes.

Submissions (4):

Labcorp Genetics (formerly Invitae), Labcorp
Classification: Benign. Last evaluated: 2026-01-12. Review status: criteria provided, single submitter. Criteria: Invitae Variant Classification Sherloc (09022015). Collection method: clinical testing. Allele origin: germline.

CeGaT Center for Human Genetics Tuebingen
Classification: Likely benign. Last evaluated: 2025-03-01. Review status: criteria provided, single submitter. Criteria: CeGaT Center For Human Genetics Tuebingen Variant Classification Criteria Version 2. Collection method: clinical testing. Allele origin: germline. Affected: yes. Observed: 1 variant allele.
Comment: CHD8: BP4, BS1

GeneDx
Classification: Benign. Last evaluated: 2020-04-08. Review status: criteria provided, single submitter. Criteria: GeneDx Variant Classification Process June 2021. Collection method: clinical testing. Allele origin: germline. Affected: yes.

PreventionGenetics, part of Exact Sciences
Classification: Likely benign for CHD8-related condition. Last evaluated: 2019-03-27. Review status: no assertion criteria provided. Collection method: clinical testing. Allele origin: germline. Not counted in ClinVar's aggregate classification.
Comment: This variant is classified as likely benign based on ACMG/AMP sequence variant interpretation guidelines (Richards et al. 2015 PMID: 25741868, with internal and published modifications).

NM_001170629.2(CHD8):c.3714+4A>G

Gene: CHD8 (chromodomain helicase DNA binding protein 8; minus strand). Cytogenetic location: 14q11.2.
Variant type: single nucleotide variant.
Coding change: c.3714+4A>G on transcript NM_001170629.2 (MANE Select); 4 bases into the intron after coding-DNA position 3714, A replaced by G.
Molecular consequence: intron variant.
Genome position (GRCh38, 1-based): chr14:21,403,013, T>C on the plus strand (A>G on the coding strand, the complement: CHD8 is on the minus strand). VCF-style: chr14-21403013-T-C. GRCh37 (hg19) VCF-style: chr14-21871172-T-C.
Other names: c.2877+4A>G (NM_020920.4); c.3714+4A>G (NM_001170629.1).
Identifiers: ClinVar variation 1261918 (VCV001261918.16), dbSNP rs191258109, ClinGen allele CA7091371.